The following is an entry in ClinVar:

ClinVar aggregate classification (germline): Uncertain significance (1 of 4 stars; one submission).

Submission:

Labcorp Genetics (formerly Invitae), Labcorp
Classification: Uncertain significance. Last evaluated: 2022-08-07. Review status: criteria provided, single submitter. Criteria: Invitae Variant Classification Sherloc (09022015). Collection method: clinical testing. Allele origin: germline.
Comment: This variant has not been reported in the literature in individuals affected with IDH3B-related conditions. In summary, the available evidence is currently insufficient to determine the role of this variant in disease. Therefore, it has been classified as a Variant of Uncertain Significance. Algorithms developed to predict the effect of missense changes on protein structure and function are either unavailable or do not agree on the potential impact of this missense change (SIFT: "Not Available"; PolyPhen-2: "Benign"; Align-GVGD: "Not Available"). This variant is not present in population databases (gnomAD no frequency). This sequence change replaces glutamic acid, which is acidic and polar, with lysine, which is basic and polar, at codon 41 of the IDH3B protein (p.Glu41Lys).

NM_006899.5(IDH3B):c.121G>A (p.Glu41Lys)

Gene: IDH3B (isocitrate dehydrogenase (NAD(+)) 3 non-catalytic subunit beta; minus strand). Cytogenetic location: 20p13.
Variant type: single nucleotide variant.
Coding change: c.121G>A on transcript NM_006899.5 (MANE Select); coding-DNA position 121, G replaced by A.
Protein change: p.Glu41Lys; replaces glutamic acid 41 with lysine.
Molecular consequence: missense variant. On other transcripts: non-coding transcript variant (1).
Genome position (GRCh38, 1-based): chr20:2,663,755, C>T on the plus strand (G>A on the coding strand, the complement: IDH3B is on the minus strand). VCF-style: chr20-2663755-C-T. GRCh37 (hg19) VCF-style: chr20-2644401-C-T.
Other names: c.121G>A, p.Glu41Lys (NM_001258384.3, NM_001330763.2, NM_174855.4); short protein forms E41K.
Identifiers: ClinVar variation 1715618 (VCV001715618.3), dbSNP rs2514768537, ClinGen allele CA408040472.